The following is an entry in ClinVar:

NM_080425.4(GNAS):c.1944G>A (p.Met648Ile)

Gene: GNAS (GNAS complex locus; plus strand). Cytogenetic location: 20q13.32.
Variant type: single nucleotide variant.
Coding change: c.1944G>A on transcript NM_080425.4 (MANE Plus Clinical); coding-DNA position 1944, G replaced by A.
Protein change: p.Met648Ile; replaces methionine 648 with isoleucine.
Molecular consequence: missense variant. On other transcripts: intron variant (3).
Genome position (GRCh38, 1-based): chr20:58,855,209, G>A. VCF-style: chr20-58855209-G-A. GRCh37 (hg19) VCF-style: chr20-57430264-G-A.
Other names: c.1757G>A, p.Cys586Tyr (NM_001077490.3, NM_001309883.1); c.1944G>A, p.Met648Ile (NM_001410913.1); c.*42+14323G>A (NM_016592.5); c.43+14323G>A (NM_001410912.1); c.-39+13334G>A (NM_001309861.2); short protein forms C586Y, M648I.
Identifiers: ClinVar variation 3352886 (VCV003352886.1).

ClinVar aggregate classification (germline): Uncertain significance (0 of 4 stars; one submission).

Conditions:
GNAS-related disorder. Identifiers: MedGen CN380105.

gnomAD v4.1: 7 of 1,600,074 alleles (0.00044%); highest among the groups gnomAD compares: Admixed American, 0.012%; 1 homozygote.

Submission:

PreventionGenetics, part of Exact Sciences
Classification: Uncertain significance for GNAS-related condition. Last evaluated: 2024-04-17. Review status: no assertion criteria provided. Collection method: clinical testing. Allele origin: germline.
Comment: The GNAS c.1944G>A variant is predicted to result in the amino acid substitution p.Met648Ile. In an alternate transcript (NM_000516.5), this variant is found within a non-coding region (c.-36518G>A). To our knowledge, this variant has not been reported in the literature. This variant is reported in 0.019% of alleles in individuals of Latino descent in gnomAD, including a homozygous individual. Although we suspect that this variant may be benign, at this time, the clinical significance of this variant is uncertain due to the absence of conclusive functional and genetic evidence.